The following is an entry in ClinVar:

ClinVar aggregate classification (germline): Likely pathogenic (1 of 4 stars; one submission).

Conditions:
Capillary malformation-arteriovenous malformation syndrome. Also called: Capillary malformation-arteriovenous malformation. Identifiers: Orphanet 137667, MedGen C1842180, MONDO:0012016.

Submission:

Labcorp Genetics (formerly Invitae), Labcorp
Classification: Likely pathogenic for Capillary malformation-arteriovenous malformation syndrome. Last evaluated: 2021-08-21. Review status: criteria provided, single submitter. Criteria: Invitae Variant Classification Sherloc (09022015). Collection method: clinical testing. Allele origin: germline.
Comment: In summary, the currently available evidence indicates that the variant is pathogenic, but additional data are needed to prove that conclusively. Therefore, this variant has been classified as Likely Pathogenic. Algorithms developed to predict the effect of sequence changes on RNA splicing suggest that this variant may disrupt the consensus splice site. This variant has not been reported in the literature in individuals affected with RASA1-related conditions. This variant is not present in population databases (ExAC no frequency). This sequence change affects a donor splice site in intron 18 of the RASA1 gene. It is expected to disrupt RNA splicing. Variants that disrupt the donor or acceptor splice site typically lead to a loss of protein function (PMID: 16199547), and loss-of-function variants in RASA1 are known to be pathogenic (PMID: 24038909).

Literature cited by the submitters: PubMed 16199547; PubMed 24038909.

NM_002890.3(RASA1):c.2487+2T>G

Genes: CCNH (cyclin H; minus strand), RASA1 (RAS p21 protein activator 1; plus strand). Cytogenetic location: 5q14.3.
Variant type: single nucleotide variant.
Coding change: c.2487+2T>G on transcript NM_002890.3 (MANE Select); the canonical splice donor site of the intron after coding-DNA position 2487, T replaced by G.
Molecular consequence: splice donor variant. On other transcripts: intron variant (1).
Genome position (GRCh38, 1-based): chr5:87,378,540, T>G. VCF-style: chr5-87378540-T-G. GRCh37 (hg19) VCF-style: chr5-86674357-T-G.
Other names: c.1956+2T>G (NM_022650.3); c.933+16504A>C (NM_001364075.2).
Identifiers: ClinVar variation 1345735 (VCV001345735.7), dbSNP rs2112495772, ClinGen allele CA360382842.
Genomic context (GRCh38, chr5:87,378,540, plus strand): 5'-TTCATCATGCTTTGAAAGACTCTATTTTAAAGATAATGGAAAGCAAGCAGTCTTGTGAGG[T>G]AAGAATTTAATGTTTTAATAAGTATTTTTGCAAAGAACATATTTTAATAGGTAATAATTT-3'